The following is an entry in ClinVar:

ClinVar aggregate classification (germline): Likely pathogenic (1 of 4 stars; one submission).

Conditions:
Autosomal recessive polycystic kidney disease (ARPKD). Also called: AR polycystic kidney disease. Identifiers: Orphanet 731, Orphanet 8378, MedGen C0085548, MeSH D017044, MONDO:0009889.

Submission:

Women's Health and Genetics/Laboratory Corporation of America, LabCorp
Classification: Likely pathogenic for Autosomal recessive polycystic kidney disease. Last evaluated: 2018-05-29. Review status: criteria provided, single submitter. Criteria: LabCorp Variant Classification Summary - May 2015. Collection method: clinical testing. Allele origin: germline.
Comment: Variant summary: PKHD1 c.645C>A (p.Cys215X) results in a premature termination codon, predicted to cause a truncation of the encoded protein or absence of the protein due to nonsense mediated decay, which are commonly known mechanisms for disease. Truncations downstream of this position have been classified as pathogenic by our laboratory (e.g., p.Arg494X and p.Arg781X). The variant was absent in 245692 control chromosomes. To our knowledge, no occurrence of c.645C>A in individuals affected with Polycystic Kidney and Hepatic Disease and no experimental evidence demonstrating its impact on protein function have been reported. No clinical diagnostic laboratories have submitted clinical-significance assessments for this variant to ClinVar after 2014. Based on the evidence outlined above, the variant was classified as likely pathogenic.

NM_138694.4(PKHD1):c.645C>A (p.Cys215Ter)

Gene: PKHD1 (PKHD1 ciliary IPT domain containing fibrocystin/polyductin; minus strand). Cytogenetic location: 6p12.2.
Variant type: single nucleotide variant.
Coding change: c.645C>A on transcript NM_138694.4 (MANE Select); coding-DNA position 645, C replaced by A.
Protein change: p.Cys215Ter; replaces cysteine 215 with a stop codon.
Molecular consequence: nonsense.
Genome position (GRCh38, 1-based): chr6:52,071,028, G>T on the plus strand (C>A on the coding strand, the complement: PKHD1 is on the minus strand). VCF-style: chr6-52071028-G-T. GRCh37 (hg19) VCF-style: chr6-51935826-G-T.
Other names: c.645C>A, p.Cys215Ter (NM_170724.3); short protein forms C215*.
Identifiers: ClinVar variation 633359 (VCV000633359.1), dbSNP rs557437764, ClinGen allele CA364433410.